The following is an entry in ClinVar:

ClinVar aggregate classification (germline): Likely benign. Review status: criteria provided, single submitter (1 of 4 stars). 2 submissions from 2 submitters: Likely benign (1). 1 of the submissions does not count toward it. Last evaluated 2022-10-31.

Conditions:
CRB1-related disorder. Also called: CRB1-related disorders; CRB1-related condition.
Retinitis pigmentosa 12 (RP12). Also called: RP WITH OR WITHOUT PPRPE; RP WITH OR WITHOUT PRESERVED PARAARTERIOLE RETINAL PIGMENT EPITHELIUM; RETINITIS PIGMENTOSA WITH OR WITHOUT PARAARTERIOLAR PRESERVATION OF RETINAL PIGMENT EPITHELIUM. Identifiers: Orphanet 791, MedGen C1838647, MONDO:0010818, OMIM 600105.
Leber congenital amaurosis 8 (LCA8). Identifiers: Orphanet 65, MedGen C3151202, MONDO:0013453, OMIM 613835.

Allele frequency attached by ClinVar (database versions not stated): gnomAD exomes below 0.00001; ExAC 0.00001.

Submissions (2):

Labcorp Genetics (formerly Invitae), Labcorp
Classification: Likely benign for Leber congenital amaurosis 8; Retinitis pigmentosa 12. Last evaluated: 2022-10-31. Review status: criteria provided, single submitter. Criteria: Invitae Variant Classification Sherloc (09022015). Collection method: clinical testing. Allele origin: germline.

PreventionGenetics, part of Exact Sciences
Classification: Likely benign for CRB1-related condition. Last evaluated: 2023-09-08. Review status: no assertion criteria provided. Collection method: clinical testing. Allele origin: germline. Not counted in ClinVar's aggregate classification.
Comment: This variant is classified as likely benign based on ACMG/AMP sequence variant interpretation guidelines (Richards et al. 2015 PMID: 25741868, with internal and published modifications).

NM_201253.3(CRB1):c.2676+7A>T

Gene: CRB1 (crumbs cell polarity complex component 1; plus strand). Cytogenetic location: 1q31.3.
Variant type: single nucleotide variant.
Coding change: c.2676+7A>T on transcript NM_201253.3 (MANE Select); 7 bases into the intron after coding-DNA position 2676, A replaced by T.
Molecular consequence: intron variant.
Genome position (GRCh38, 1-based): chr1:197,428,008, A>T. VCF-style: chr1-197428008-A-T. GRCh37 (hg19) VCF-style: chr1-197397138-A-T.
Other names: c.2469+7A>T (NM_001257965.2); c.2128+6052A>T (NM_001257966.2); c.2340+7A>T (NM_001193640.2); c.2676+7A>T (NM_201253.2).
Identifiers: ClinVar variation 1134005 (VCV001134005.11), dbSNP rs774387451, ClinGen allele CA1312159.